The following is an entry in ClinVar:

ClinVar aggregate classification (germline): Benign/Likely benign. Review status: criteria provided, multiple submitters, no conflicts (2 of 4 stars). 3 submissions from 3 submitters: Benign (1); Likely benign (2). Last evaluated 2025-01-06.

Conditions:
Hereditary cancer-predisposing syndrome. Also called: Hereditary neoplastic syndrome; Hereditary Cancer Syndrome; Tumor predisposition; Neoplastic Syndromes, Hereditary. Identifiers: Orphanet 140162, MedGen C0027672, MeSH D009386, MONDO:0015356.
Hereditary nonpolyposis colorectal neoplasms. Identifiers: MedGen C0009405, MeSH D003123.
Lynch syndrome 5 (LYNCH5). Also called: Colorectal cancer, hereditary nonpolyposis, type 5; Hereditary non-polyposis colorectal cancer, type 5. Identifiers: Orphanet 144, MedGen C1833477, MONDO:0013710, OMIM 614350. Disease mechanism: loss of function.

Submissions (3):

Myriad Genetics, Inc.
Classification: Benign for Lynch syndrome 5. Last evaluated: 2025-01-06. Review status: criteria provided, single submitter. Criteria: Myriad Autosomal Dominant, Autosomal Recessive and X-Linked Classification Criteria (2023). Collection method: clinical testing. Allele origin: unknown.
Comment: This variant is considered benign. This variant is a silent/synonymous amino acid change and it is not expected to impact splicing.

Ambry Genetics
Classification: Likely benign for Hereditary cancer-predisposing syndrome. Last evaluated: 2022-11-11. Review status: criteria provided, single submitter. Criteria: Ambry Variant Classification Scheme 2023. Collection method: clinical testing. Allele origin: germline.

Labcorp Genetics (formerly Invitae), Labcorp
Classification: Likely benign for Hereditary nonpolyposis colorectal neoplasms. Last evaluated: 2022-07-11. Review status: criteria provided, single submitter. Criteria: Invitae Variant Classification Sherloc (09022015). Collection method: clinical testing. Allele origin: germline.

NM_000179.3(MSH6):c.3321T>C (p.Asp1107=)

Gene: MSH6 (mutS homolog 6; plus strand). Cytogenetic location: 2p16.3.
Variant type: single nucleotide variant.
Coding change: c.3321T>C on transcript NM_000179.3 (MANE Select); coding-DNA position 3321, T replaced by C.
Protein change: p.Asp1107=; no amino-acid change (aspartic acid 1107 retained).
Molecular consequence: synonymous variant.
Genome position (GRCh38, 1-based): chr2:47,803,568, T>C. VCF-style: chr2-47803568-T-C. GRCh37 (hg19) VCF-style: chr2-48030707-T-C.
Other names: c.2931T>C, p.Asp977= (NM_001281492.2); c.2415T>C, p.Asp805= (NM_001281493.2, NM_001281494.2); c.3321T>C (NM_000179.2).
Identifiers: ClinVar variation 1128325 (VCV001128325.12), dbSNP rs1258021186, ClinGen allele CA426121945.